The following is an entry in ClinVar:

NM_021978.4(ST14):c.1840C>G (p.Arg614Gly)

Gene: ST14 (ST14 transmembrane serine protease matriptase; plus strand). Cytogenetic location: 11q24.3.
Variant type: single nucleotide variant.
Coding change: c.1840C>G on transcript NM_021978.4 (MANE Select); coding-DNA position 1840, C replaced by G.
Protein change: p.Arg614Gly; replaces arginine 614 with glycine.
Molecular consequence: missense variant.
Genome position (GRCh38, 1-based): chr11:130,199,983, C>G. VCF-style: chr11-130199983-C-G. GRCh37 (hg19) VCF-style: chr11-130069878-C-G.
Other names: short protein forms R614G.
Identifiers: ClinVar variation 5009383 (VCV005009383.1).

ClinVar aggregate classification (germline): Uncertain significance (1 of 4 stars; one submission).

Submission:

GeneDx
Classification: Uncertain significance. Last evaluated: 2026-03-18. Review status: criteria provided, single submitter. Criteria: GeneDx Variant Classification Process June 2021. Collection method: clinical testing. Allele origin: germline.
Comment: Not observed at significant frequency in large population cohorts (gnomAD); In silico analysis supports that this missense variant has a deleterious effect on protein structure/function; Has not been previously published as pathogenic or benign to our knowledge